The following is an entry in ClinVar:

NM_001286.5(CLCN6):c.2426C>G (p.Pro809Arg)

Gene: CLCN6 (Cl-/H+ antiporter 6; plus strand). Cytogenetic location: 1p36.22.
Variant type: single nucleotide variant.
Coding change: c.2426C>G on transcript NM_001286.5 (MANE Select); coding-DNA position 2426, C replaced by G.
Protein change: p.Pro809Arg; replaces proline 809 with arginine.
Molecular consequence: missense variant. On other transcripts: non-coding transcript variant (1).
Genome position (GRCh38, 1-based): chr1:11,838,557, C>G. VCF-style: chr1-11838557-C-G. GRCh37 (hg19) VCF-style: chr1-11898614-C-G.
Other names: c.2360C>G, p.Pro787Arg (NM_001256959.2); c.2426C>G (NM_001286.2); short protein forms P809R, P787R.
Identifiers: ClinVar variation 3003359 (VCV003003359.4), dbSNP rs1038441546, ClinGen allele CA18004843.
Genomic context (GRCh38, chr1:11,838,557, plus strand): 5'-GCGTCTCAGGCAGTCAGTGACACGTGGTCTCTTTGCAGGATGTCACCCCATACATGAACC[C>G]TTCGCCTTTCACCGTCTCGCCCAACACCCACGTCTCCCAAGTCTTCAACCTGTTCAGAAC-3'
Protein context (NP_001277.2, residues 799-819): MIVDVTPYMN[Pro809Arg]SPFTVSPNTH

ClinVar aggregate classification (germline): Uncertain significance. Review status: criteria provided, multiple submitters, no conflicts (2 of 4 stars). 2 submissions from 2 submitters: Uncertain significance (2). Last evaluated 2025-03-01.

Allele frequency attached by ClinVar (database versions not stated): gnomAD exomes 0.00001; gnomAD 0.00003; TOPMed 0.00003.
gnomAD v4.1: 10 of 1,611,216 alleles (0.00062%); highest among the groups gnomAD compares: Non-Finnish European, 0.00085%; no homozygotes.

Submissions (2):

Labcorp Genetics (formerly Invitae), Labcorp
Classification: Uncertain significance. Last evaluated: 2025-03-01. Review status: criteria provided, single submitter. Criteria: Invitae Variant Classification Sherloc (09022015). Collection method: clinical testing. Allele origin: germline.
Comment: This sequence change replaces proline, which is neutral and non-polar, with arginine, which is basic and polar, at codon 809 of the CLCN6 protein (p.Pro809Arg). This variant is not present in population databases (gnomAD no frequency). This variant has not been reported in the literature in individuals affected with CLCN6-related conditions. ClinVar contains an entry for this variant (Variation ID: 3003359). An algorithm developed to predict the effect of missense changes on protein structure and function (PolyPhen-2) suggests that this variant is likely to be disruptive. In summary, the available evidence is currently insufficient to determine the role of this variant in disease. Therefore, it has been classified as a Variant of Uncertain Significance.

Ambry Genetics
Classification: Uncertain significance. Last evaluated: 2024-06-10. Review status: criteria provided, single submitter. Criteria: Ambry Variant Classification Scheme 2023. Collection method: clinical testing. Allele origin: germline.